The following is an entry in ClinVar:

NM_024642.5(GALNT12):c.906C>T (p.Val302=)

Gene: GALNT12 (polypeptide N-acetylgalactosaminyltransferase 12; plus strand). Cytogenetic location: 9q22.33.
Variant type: single nucleotide variant.
Coding change: c.906C>T on transcript NM_024642.5 (MANE Select); coding-DNA position 906, C replaced by T.
Protein change: p.Val302=; no amino-acid change (valine 302 retained).
Molecular consequence: synonymous variant.
Genome position (GRCh38, 1-based): chr9:98,831,946, C>T. VCF-style: chr9-98831946-C-T. GRCh37 (hg19) VCF-style: chr9-101594228-C-T.
Identifiers: ClinVar variation 485669 (VCV000485669.16), dbSNP rs375005028, ClinGen allele CA5154096.

ClinVar aggregate classification (germline): Benign/Likely benign. Review status: criteria provided, multiple submitters, no conflicts (2 of 4 stars). 4 submissions from 4 submitters: Benign (1); Likely benign (3). Last evaluated 2026-04-24.

Conditions:
Colorectal cancer, susceptibility to, 1. Also called: COLORECTAL ADENOMA AND CANCER, SUSCEPTIBILITY TO; COLORECTAL CANCER, SUSCEPTIBILITY TO, ON CHROMOSOME 9. Identifiers: MedGen C1837315, MONDO:0012132, OMIM 608812.

Allele frequency attached by ClinVar (database versions not stated): gnomAD exomes 0.00002 and 0.00004; gnomAD 0.00001; ExAC 0.00002; ESP Exome Variant Server 0.00008; TOPMed 0.00002.
gnomAD v4.1: 65 of 1,613,628 alleles (0.004%); highest among the groups gnomAD compares: Non-Finnish European, 0.0049%; no homozygotes.

Submissions (4):

Myriad Genetics, Inc.
Classification: Benign for Colorectal cancer, susceptibility to, 1. Last evaluated: 2026-04-24. Review status: criteria provided, single submitter. Criteria: Myriad Autosomal Dominant, Autosomal Recessive and X-Linked Classification Criteria (2023). Collection method: clinical testing. Allele origin: unknown.
Comment: This variant is considered benign. This variant is a silent/synonymous amino acid change and it is not expected to impact splicing.

Labcorp Genetics (formerly Invitae), Labcorp
Classification: Likely benign. Last evaluated: 2025-12-24. Review status: criteria provided, single submitter. Criteria: Invitae Variant Classification Sherloc (09022015). Collection method: clinical testing. Allele origin: germline.

Quest Diagnostics Nichols Institute San Juan Capistrano
Classification: Likely benign. Last evaluated: 2023-07-19. Review status: criteria provided, single submitter. Criteria: Quest Diagnostics criteria. Collection method: clinical testing. Allele origin: unknown.

Ambry Genetics
Classification: Likely benign. Last evaluated: 2017-05-08. Review status: criteria provided, single submitter. Criteria: Ambry Variant Classification Scheme 2023. Collection method: clinical testing. Allele origin: germline.